The following is an entry in ClinVar:

NM_015272.5(RPGRIP1L):c.2141C>G (p.Ala714Gly)

Gene: RPGRIP1L (RPGRIP1 like; minus strand). Cytogenetic location: 16q12.2.
Variant type: single nucleotide variant.
Coding change: c.2141C>G on transcript NM_015272.5 (MANE Select); coding-DNA position 2141, C replaced by G.
Protein change: p.Ala714Gly; replaces alanine 714 with glycine.
Molecular consequence: missense variant.
Genome position (GRCh38, 1-based): chr16:53,652,546, G>C on the plus strand (C>G on the coding strand, the complement: RPGRIP1L is on the minus strand). VCF-style: chr16-53652546-G-C. GRCh37 (hg19) VCF-style: chr16-53686458-G-C.
Other names: c.2141C>G, p.Ala714Gly (NM_001127897.4, NM_001308334.3, NM_001330538.2); short protein forms A714G.
Identifiers: ClinVar variation 2044357 (VCV002044357.1), dbSNP rs1243570373, ClinGen allele CA395916557.

ClinVar aggregate classification (germline): Uncertain significance (1 of 4 stars; one submission).

Conditions:
Joubert syndrome. Also called: CEREBELLOPARENCHYMAL DISORDER IV; JOUBERT-BOLTSHAUSER SYNDROME; Familial aplasia of the vermis. Identifiers: Orphanet 475, MedGen C5979921, MONDO:0018772.
Meckel-Gruber syndrome. Also called: DYSENCEPHALIA SPLANCHNOCYSTICA; GRUBER SYNDROME; Dysencephalia splachnocystica. Identifiers: Orphanet 564, MedGen C0265215, MONDO:0018921.

Allele frequency attached by ClinVar (database versions not stated): gnomAD 0.00001.
gnomAD v4.1: 29 of 1,612,596 alleles (0.0018%); highest among the groups gnomAD compares: Middle Eastern, 0.016%; no homozygotes.

Submission:

Labcorp Genetics (formerly Invitae), Labcorp
Classification: Uncertain significance for Joubert syndrome; Meckel-Gruber syndrome. Last evaluated: 2022-03-10. Review status: criteria provided, single submitter. Criteria: Invitae Variant Classification Sherloc (09022015). Collection method: clinical testing. Allele origin: germline.
Comment: This sequence change replaces alanine, which is neutral and non-polar, with glycine, which is neutral and non-polar, at codon 714 of the RPGRIP1L protein (p.Ala714Gly). This variant is present in population databases (no rsID available, gnomAD 0.007%). This variant has not been reported in the literature in individuals affected with RPGRIP1L-related conditions. Algorithms developed to predict the effect of missense changes on protein structure and function are either unavailable or do not agree on the potential impact of this missense change (SIFT: "Tolerated"; PolyPhen-2: "Possibly Damaging"; Align-GVGD: "Class C0"). In summary, the available evidence is currently insufficient to determine the role of this variant in disease. Therefore, it has been classified as a Variant of Uncertain Significance.